The following is an entry in ClinVar:

ClinVar aggregate classification (germline): Uncertain significance (1 of 4 stars; one submission).

Conditions:
Early-infantile DEE. Also called: Early infantile epileptic encephalopathy; Ohtahara syndrome; Early infantile epileptic encephalopathy with suppression bursts. Identifiers: Orphanet 1934, MedGen C0393706, MONDO:0800491.

Allele frequency attached by ClinVar (database versions not stated): TOPMed below 0.00001; gnomAD 0.00002; gnomAD exomes 0.00002 and 0.00004; ExAC 0.00005.
gnomAD v4.1: 29 of 1,613,864 alleles (0.0018%); highest among the groups gnomAD compares: South Asian, 0.031%; 1 homozygote.

Submission:

Labcorp Genetics (formerly Invitae), Labcorp
Classification: Uncertain significance for Early-infantile DEE. Last evaluated: 2023-12-19. Review status: criteria provided, single submitter. Criteria: Invitae Variant Classification Sherloc (09022015). Collection method: clinical testing. Allele origin: germline.
Comment: This sequence change replaces alanine, which is neutral and non-polar, with proline, which is neutral and non-polar, at codon 1021 of the SCN8A protein (p.Ala1021Pro). This variant is present in population databases (rs781237471, gnomAD 0.03%). This variant has not been reported in the literature in individuals affected with SCN8A-related conditions. ClinVar contains an entry for this variant (Variation ID: 1406775). Advanced modeling of protein sequence and biophysical properties (such as structural, functional, and spatial information, amino acid conservation, physicochemical variation, residue mobility, and thermodynamic stability) performed at Invitae indicates that this missense variant is not expected to disrupt SCN8A protein function with a negative predictive value of 95%. In summary, the available evidence is currently insufficient to determine the role of this variant in disease. Therefore, it has been classified as a Variant of Uncertain Significance.

NM_001330260.2(SCN8A):c.3061G>C (p.Ala1021Pro)

Gene: SCN8A (sodium voltage-gated channel alpha subunit 8; plus strand). Cytogenetic location: 12q13.13.
Variant type: single nucleotide variant.
Coding change: c.3061G>C on transcript NM_001330260.2 (MANE Select); coding-DNA position 3061, G replaced by C.
Protein change: p.Ala1021Pro; replaces alanine 1021 with proline.
Molecular consequence: missense variant.
Genome position (GRCh38, 1-based): chr12:51,769,024, G>C. VCF-style: chr12-51769024-G-C. GRCh37 (hg19) VCF-style: chr12-52162808-G-C.
Other names: c.3061G>C, p.Ala1021Pro (NM_001177984.3, NM_001369788.1, NM_014191.4); short protein forms A1021P.
Identifiers: ClinVar variation 1406775 (VCV001406775.9), dbSNP rs781237471, ClinGen allele CA6571539.